The following is an entry in ClinVar:

ClinVar aggregate classification (germline): Uncertain significance (1 of 4 stars; one submission).

Conditions:
Inborn genetic diseases. Identifiers: MedGen C0950123, MeSH D030342.

Submission:

Ambry Genetics
Classification: Uncertain significance for Inborn genetic diseases. Last evaluated: 2023-05-21. Review status: criteria provided, single submitter. Criteria: Ambry Variant Classification Scheme 2023. Collection method: clinical testing. Allele origin: germline.
Comment: The p.A585S variant (also known as c.1753G>T), located in coding exon 15 of the LRRK2 gene, results from a G to T substitution at nucleotide position 1753. The alanine at codon 585 is replaced by serine, an amino acid with similar properties. This amino acid position is conserved. In addition, this alteration is predicted to be tolerated by in silico analysis. Since supporting evidence is limited at this time, the clinical significance of this alteration remains unclear.

NM_198578.4(LRRK2):c.1753G>T (p.Ala585Ser)

Gene: LRRK2 (leucine rich repeat kinase 2; plus strand). Cytogenetic location: 12q12.
Variant type: single nucleotide variant.
Coding change: c.1753G>T on transcript NM_198578.4 (MANE Select); coding-DNA position 1753, G replaced by T.
Protein change: p.Ala585Ser; replaces alanine 585 with serine.
Molecular consequence: missense variant.
Genome position (GRCh38, 1-based): chr12:40,274,679, G>T. VCF-style: chr12-40274679-G-T. GRCh37 (hg19) VCF-style: chr12-40668481-G-T.
Other names: short protein forms A585S.
Identifiers: ClinVar variation 2567413 (VCV002567413.2), dbSNP rs2499623286, ClinGen allele CA384403155.